The following is an entry in ClinVar:

ClinVar aggregate classification (germline): Uncertain significance (1 of 4 stars; one submission).

Submission:

Women's Health and Genetics/Laboratory Corporation of America, LabCorp
Classification: Uncertain significance. Last evaluated: 2025-07-17. Review status: criteria provided, single submitter. Criteria: LabCorp Variant Classification Summary - May 2015. Collection method: clinical testing. Allele origin: germline.
Comment: Variant summary: IL17RD c.1646T>G (p.Met549Arg) results in a non-conservative amino acid change in the encoded protein sequence. Algorithms developed to predict the effect of missense changes on protein structure and function are either unavailable or do not agree on the potential impact of this missense change. The variant allele was found at a frequency of 0.00016 in 251144 control chromosomes. This frequency is not significantly higher than estimated for a pathogenic variant in IL17RD causing Hypogonadotropic Hypogonadism 18 With Or Without Anosmia, allowing no conclusion about variant significance. To our knowledge, no occurrence of c.1646T>G in individuals affected with Hypogonadotropic Hypogonadism 18 With Or Without Anosmia and no experimental evidence demonstrating its impact on protein function have been reported. No submitters have cited clinical-significance assessments for this variant to ClinVar. Based on the evidence outlined above, the variant was classified as uncertain significance.

NM_017563.5(IL17RD):c.1646T>G (p.Met549Arg)

Genes: IL17RD (interleukin 17 receptor D; minus strand), LOC126806689 (BRD4-independent group 4 enhancer GRCh37_chr3:57131244-57132443; plus strand). Cytogenetic location: 3p14.3.
Variant type: single nucleotide variant.
Coding change: c.1646T>G on transcript NM_017563.5 (MANE Select); coding-DNA position 1646, T replaced by G.
Protein change: p.Met549Arg; replaces methionine 549 with arginine.
Molecular consequence: missense variant.
Genome position (GRCh38, 1-based): chr3:57,098,057, A>C on the plus strand (T>G on the coding strand, the complement: IL17RD is on the minus strand). VCF-style: chr3-57098057-A-C. GRCh37 (hg19) VCF-style: chr3-57132085-A-C.
Other names: c.1214T>G, p.Met405Arg (NM_001318864.2); short protein forms M549R, M405R.
Identifiers: ClinVar variation 4525813 (VCV004525813.1).
Genomic context (GRCh38, chr3:57,098,057, plus strand): 5'-GGATGGAAGGGAACGAACTGCTTTTCGAACCAGTCGGGCTCCTCGTCAATAAACTGGTGC[A>C]TGTTGCAAATGGCGACGTATAGGGACCGGCCTGACTTGCTCCGGAAGTAGTTCCTTCTGC-3'
Protein context (NP_060033.3, residues 539-559): GRSLYVAICN[Met549Arg]HQFIDEEPDW